The following is an entry in ClinVar:

ClinVar aggregate classification (germline): Uncertain significance (1 of 4 stars; one submission).

gnomAD v4.1: 20 of 1,613,896 alleles (0.0012%); highest among the groups gnomAD compares: Non-Finnish European, 0.0013%; no homozygotes.

Submission:

Labcorp Genetics (formerly Invitae), Labcorp
Classification: Uncertain significance. Last evaluated: 2024-09-11. Review status: criteria provided, single submitter. Criteria: Invitae Variant Classification Sherloc (09022015). Collection method: clinical testing. Allele origin: germline.
Comment: This sequence change replaces arginine, which is basic and polar, with glutamine, which is neutral and polar, at codon 1751 of the COL7A1 protein (p.Arg1751Gln). This variant is present in population databases (rs781523301, gnomAD 0.003%). This variant has not been reported in the literature in individuals affected with COL7A1-related conditions. Invitae Evidence Modeling of protein sequence and biophysical properties (such as structural, functional, and spatial information, amino acid conservation, physicochemical variation, residue mobility, and thermodynamic stability) indicates that this missense variant is not expected to disrupt COL7A1 protein function with a negative predictive value of 95%. Algorithms developed to predict the effect of sequence changes on RNA splicing suggest that this variant may disrupt the consensus splice site. In summary, the available evidence is currently insufficient to determine the role of this variant in disease. Therefore, it has been classified as a Variant of Uncertain Significance.

NM_000094.4(COL7A1):c.5252G>A (p.Arg1751Gln)

Gene: COL7A1 (collagen type VII alpha 1 chain; minus strand). Cytogenetic location: 3p21.31.
Variant type: single nucleotide variant.
Coding change: c.5252G>A on transcript NM_000094.4 (MANE Select); coding-DNA position 5252, G replaced by A.
Protein change: p.Arg1751Gln; replaces arginine 1751 with glutamine.
Molecular consequence: missense variant.
Genome position (GRCh38, 1-based): chr3:48,579,499, C>T on the plus strand (G>A on the coding strand, the complement: COL7A1 is on the minus strand). VCF-style: chr3-48579499-C-T. GRCh37 (hg19) VCF-style: chr3-48616932-C-T.
Other names: short protein forms R1751Q.
Identifiers: ClinVar variation 3613113 (VCV003613113.2).